The following is an entry in ClinVar:

ClinVar aggregate classification (germline): Likely pathogenic. Review status: criteria provided, multiple submitters, no conflicts (2 of 4 stars). 3 submissions from 3 submitters: Likely pathogenic (3). Last evaluated 2024-04-15.

Conditions:
Dilated cardiomyopathy 1G (CMD1G). Identifiers: Orphanet 154, MedGen C1858763, MONDO:0011400, OMIM 604145.
Autosomal recessive limb-girdle muscular dystrophy type 2J (LGMDR10). Also called: Limb-girdle muscular dystrophy, type 2J; MUSCULAR DYSTROPHY, LIMB-GIRDLE, AUTOSOMAL RECESSIVE 10. Identifiers: Orphanet 140922, MedGen C1837342, MONDO:0012127, OMIM 608807.
Primary dilated cardiomyopathy (DCM). Also called: Dilated Cardiomyopathy. Identifiers: Orphanet 217604, MedGen C0007193, MeSH D002311, MONDO:0005021, HP:0001644. Inheritance: Various modes of inheritance.

Submissions (3):

Labcorp Genetics (formerly Invitae), Labcorp
Classification: Likely pathogenic for Dilated cardiomyopathy 1G; Autosomal recessive limb-girdle muscular dystrophy type 2J. Last evaluated: 2024-04-15. Review status: criteria provided, single submitter. Criteria: Invitae Variant Classification Sherloc (09022015). Collection method: clinical testing. Allele origin: germline.
Comment: This sequence change creates a premature translational stop signal (p.Gln31722*) in the TTN gene. While this is not anticipated to result in nonsense mediated decay, it is expected to create a truncated TTN protein. This variant is not present in population databases (gnomAD no frequency). This premature translational stop signal has been observed in individual(s) with dilated cardiomyopathy (PMID: 22335739). This variant is also known as c.90241C>T. ClinVar contains an entry for this variant (Variation ID: 1485803). This variant is located in the A band of TTN (PMID: 25589632). Truncating variants in this region are significantly overrepresented in patients affected with dilated cardiomyopathy (PMID: 25589632). Truncating variants in this region have also been reported in individuals affected with autosomal recessive centronuclear myopathy (PMID: 23975875). In summary, the currently available evidence indicates that the variant is pathogenic, but additional data are needed to prove that conclusively. Therefore, this variant has been classified as Likely Pathogenic.

GeneDx
Classification: Likely pathogenic. Last evaluated: 2023-05-23. Review status: criteria provided, single submitter. Criteria: GeneDx Variant Classification Process June 2021. Collection method: clinical testing. Allele origin: germline. Affected: yes.
Comment: Identified in a patient with DCM in published literature (Herman DS et al., 2012); Nonsense variant predicted to result in protein truncation or nonsense mediated decay in a gene for which loss-of-function is a known mechanism of disease; Not observed at significant frequency in large population cohorts (gnomAD); Located in the A-band region of titin, where the majority of truncating pathogenic variants associated with DCM have been reported (Herman et al., 2012); This variant is associated with the following publications: (PMID: 22335739, 27535533)

Laboratory for Molecular Medicine, Mass General Brigham Personalized Medicine
Classification: Likely pathogenic for Primary dilated cardiomyopathy. Last evaluated: 2019-07-26. Review status: criteria provided, single submitter. Criteria: ACMG Guidelines, 2015. Collection method: clinical testing. Allele origin: germline.
Comment: The p.Gln29154X variant in TTN has not been previously reported in individuals with TTN-associated diseases, such as dilated cardiomyopathy and neuromuscular conditions and was absent from large population studies. This nonsense variant leads to a premature termination codon at position 29154, which is predicted to lead to a truncated or absent protein. Nonsense and other truncating variants in TTN are strongly associated with DCM if they impact the exons encoding for the A-band (Herman 2012, Pugh 2014) and/or are located in an exon that is highly expressed in the heart (Roberts 2015). In addition, TTN variants have also been associated with myopathies and other neuromuscular conditions, which usually have autosomal recessive inheritance (Savarese 2016). The p.Gln29154X variant is located in a highly expressed exon in the A-band. In summary, although additional studies are required to fully establish its clinical significance, this variant meets criteria to be classified as likely pathogenic for TTN-associated diseases. ACMG/AMP Criteria applied: PVS1, PM2.

Literature cited by the submitters: PubMed 22335739 (cited by Labcorp Genetics (formerly Invitae), Labcorp and Laboratory for Molecular Medicine, Mass General Brigham Personalized Medicine); PubMed 25589632 (cited by Labcorp Genetics (formerly Invitae), Labcorp); PubMed 23975875 (cited by Labcorp Genetics (formerly Invitae), Labcorp).

NM_001267550.2(TTN):c.95164C>T (p.Gln31722Ter)

Genes: TTN (titin; minus strand), TTN-AS1 (TTN antisense RNA 1; plus strand). Cytogenetic location: 2q31.2.
Variant type: single nucleotide variant.
Coding change: c.95164C>T on transcript NM_001267550.2 (MANE Select); coding-DNA position 95164, C replaced by T.
Protein change: p.Gln31722Ter; replaces glutamine 31722 with a stop codon.
Molecular consequence: nonsense.
Genome position (GRCh38, 1-based): chr2:178,546,072, G>A on the plus strand (C>T on the coding strand, the complement: TTN is on the minus strand). VCF-style: chr2-178546072-G-A. GRCh37 (hg19) VCF-style: chr2-179410799-G-A.
Other names: c.95164C>T (NM_001267550.1); c.90241C>T, p.Gln30081Ter (NM_001256850.1); c.67969C>T, p.Gln22657Ter (NM_003319.4); c.87460C>T, p.Gln29154Ter (NM_133378.4); c.68344C>T, p.Gln22782Ter (NM_133432.3); c.68545C>T, p.Gln22849Ter (NM_133437.4); short protein forms Q22657*, Q29154*, Q22849*, Q30081*, Q22782*, Q31722*.
Identifiers: ClinVar variation 1485803 (VCV001485803.9), dbSNP rs2154145603, ClinGen allele CA349465958.
Genomic context (GRCh38, chr2:178,546,072, plus strand): 5'-GAGTGATTTCTGCTCCTCCGTCTTCCTGCGGAAGGCTCCAGGCTAAAGTGCACTTCTCCT[G>A]TGTTACTCTGCTGACGGTGAGCTTTCCACATGGGCCAGGGGAATCTGAAACAGGTGTAAT-3'